The following is an entry in ClinVar:

NM_001142784.3(IL11RA):c.400C>T (p.Pro134Ser)

Gene: IL11RA (interleukin 11 receptor subunit alpha; plus strand). Cytogenetic location: 9p13.3.
Variant type: single nucleotide variant.
Coding change: c.400C>T on transcript NM_001142784.3 (MANE Select); coding-DNA position 400, C replaced by T.
Protein change: p.Pro134Ser; replaces proline 134 with serine.
Molecular consequence: missense variant. On other transcripts: non-coding transcript variant (1).
Genome position (GRCh38, 1-based): chr9:34,657,103, C>T. VCF-style: chr9-34657103-C-T. GRCh37 (hg19) VCF-style: chr9-34657100-C-T.
Other names: short protein forms P134S.
Identifiers: ClinVar variation 2044179 (VCV002044179.3), dbSNP rs1208958651, ClinGen allele CA373287647.

ClinVar aggregate classification (germline): Uncertain significance (1 of 4 stars; one submission).

Allele frequency attached by ClinVar (database versions not stated): gnomAD exomes 0.00001.

Submission:

Labcorp Genetics (formerly Invitae), Labcorp
Classification: Uncertain significance. Last evaluated: 2024-10-24. Review status: criteria provided, single submitter. Criteria: Invitae Variant Classification Sherloc (09022015). Collection method: clinical testing. Allele origin: germline.
Comment: This sequence change replaces proline, which is neutral and non-polar, with serine, which is neutral and polar, at codon 134 of the IL11RA protein (p.Pro134Ser). This variant is present in population databases (no rsID available, gnomAD 0.0009%). This variant has not been reported in the literature in individuals affected with IL11RA-related conditions. ClinVar contains an entry for this variant (Variation ID: 2044179). Invitae Evidence Modeling of protein sequence and biophysical properties (such as structural, functional, and spatial information, amino acid conservation, physicochemical variation, residue mobility, and thermodynamic stability) indicates that this missense variant is not expected to disrupt IL11RA protein function with a negative predictive value of 80%. In summary, the available evidence is currently insufficient to determine the role of this variant in disease. Therefore, it has been classified as a Variant of Uncertain Significance.